The following is an entry in ClinVar:

ClinVar aggregate classification (germline): Uncertain significance (1 of 4 stars; one submission).

Conditions:
Alagille syndrome due to a NOTCH2 point mutation. Also called: Alagille syndrome 2. Identifiers: Orphanet 261629, Orphanet 52, MedGen C1857761, MONDO:0012439, OMIM 610205.

Allele frequency attached by ClinVar (database versions not stated): TOPMed below 0.00001.

Submission:

Centre for Mendelian Genomics, University Medical Centre Ljubljana
Classification: Uncertain significance for Alagille syndrome due to a NOTCH2 point mutation. Last evaluated: 2019-10-03. Review status: criteria provided, single submitter. Criteria: ACMG Guidelines, 2015. Collection method: clinical testing. Allele origin: unknown. Affected: yes.
Comment: This variant was classified as: Uncertain significance. The available evidence on this variant's pathogenicity is insufficient or conflicting. The following ACMG criteria were applied in classifying this variant: PM2,PP3,BP1.

NM_024408.4(NOTCH2):c.5327T>C (p.Leu1776Ser)

Gene: NOTCH2 (notch receptor 2; minus strand). Cytogenetic location: 1p12.
Variant type: single nucleotide variant.
Coding change: c.5327T>C on transcript NM_024408.4 (MANE Select); coding-DNA position 5327, T replaced by C.
Protein change: p.Leu1776Ser; replaces leucine 1776 with serine.
Molecular consequence: missense variant.
Genome position (GRCh38, 1-based): chr1:119,920,381, A>G on the plus strand (T>C on the coding strand, the complement: NOTCH2 is on the minus strand). VCF-style: chr1-119920381-A-G. GRCh37 (hg19) VCF-style: chr1-120463004-A-G.
Other names: short protein forms L1776S.
Identifiers: ClinVar variation 931169 (VCV000931169.3), dbSNP rs1649240420, ClinGen allele CA341885800.
Genomic context (GRCh38, chr1:119,920,381, plus strand): 5'-GCTTCAAGGTGCTGCTGTGTCCATGGCCGTCGATCAATGGGGTCATCTTCTTCTGAGAGT[A>G]AGGCCTCATCTTCAGCCTGAAAGGTGAAAACAATGCTCCCTATCAATCTGGCCACCACCA-3'
Protein context (NP_077719.2, residues 1766-1786): PKKVKAEDEA[Leu1776Ser]LSEEDDPIDR